The following is an entry in ClinVar:

NM_020381.4(PDSS2):c.277C>T (p.Pro93Ser)

Gene: PDSS2 (decaprenyl diphosphate synthase subunit 2; minus strand). Cytogenetic location: 6q21.
Variant type: single nucleotide variant.
Coding change: c.277C>T on transcript NM_020381.4 (MANE Select); coding-DNA position 277, C replaced by T.
Protein change: p.Pro93Ser; replaces proline 93 with serine.
Molecular consequence: missense variant.
Genome position (GRCh38, 1-based): chr6:107,459,009, G>A on the plus strand (C>T on the coding strand, the complement: PDSS2 is on the minus strand). VCF-style: chr6-107459009-G-A. GRCh37 (hg19) VCF-style: chr6-107780213-G-A.
Other names: c.277C>T (NM_020381.3); short protein forms P93S.
Identifiers: ClinVar variation 1508923 (VCV001508923.5), dbSNP rs143121266, ClinGen allele CA3946172.

ClinVar aggregate classification (germline): Uncertain significance. Review status: criteria provided, multiple submitters, no conflicts (2 of 4 stars). 3 submissions from 3 submitters: Uncertain significance (3). Last evaluated 2024-11-11.

Conditions:
Coenzyme Q10 deficiency, primary, 3 (COQ10D3). Identifiers: Orphanet 255249, MedGen C3553358, MONDO:0013838, OMIM 614652.

Allele frequency attached by ClinVar (database versions not stated): ExAC 0.00009; 1000 Genomes Project 0.00020; ESP Exome Variant Server 0.00023; 1000 Genomes Project 30x 0.00031.

Submissions (3):

GeneDx
Classification: Uncertain significance. Last evaluated: 2024-11-11. Review status: criteria provided, single submitter. Criteria: GeneDx Variant Classification Process June 2021. Collection method: clinical testing. Allele origin: germline. Affected: yes.
Comment: In silico analysis supports that this missense variant has a deleterious effect on protein structure/function; Has not been previously published as pathogenic or benign to our knowledge

Fulgent Genetics
Classification: Uncertain significance for Coenzyme Q10 deficiency, primary, 3. Last evaluated: 2024-04-08. Review status: criteria provided, single submitter. Criteria: ACMG Guidelines, 2015. Collection method: clinical testing. Allele origin: germline.

Labcorp Genetics (formerly Invitae), Labcorp
Classification: Uncertain significance. Last evaluated: 2022-08-09. Review status: criteria provided, single submitter. Criteria: Invitae Variant Classification Sherloc (09022015). Collection method: clinical testing. Allele origin: germline.
Comment: This sequence change replaces proline, which is neutral and non-polar, with serine, which is neutral and polar, at codon 93 of the PDSS2 protein (p.Pro93Ser). This variant is present in population databases (rs143121266, gnomAD 0.07%). This variant has not been reported in the literature in individuals affected with PDSS2-related conditions. ClinVar contains an entry for this variant (Variation ID: 1508923). Algorithms developed to predict the effect of missense changes on protein structure and function are either unavailable or do not agree on the potential impact of this missense change (SIFT: "Deleterious"; PolyPhen-2: "Probably Damaging"; Align-GVGD: "Class C0"). In summary, the available evidence is currently insufficient to determine the role of this variant in disease. Therefore, it has been classified as a Variant of Uncertain Significance.